The following is an entry in ClinVar:

NM_001111.5(ADAR):c.116T>G (p.Phe39Cys)

Gene: ADAR (adenosine deaminase RNA specific; minus strand). Cytogenetic location: 1q21.3.
Variant type: single nucleotide variant.
Coding change: c.116T>G on transcript NM_001111.5 (MANE Select); coding-DNA position 116, T replaced by G.
Protein change: p.Phe39Cys; replaces phenylalanine 39 with cysteine.
Molecular consequence: missense variant. On other transcripts: 5 prime UTR variant (6).
Genome position (GRCh38, 1-based): chr1:154,602,526, A>C on the plus strand (T>G on the coding strand, the complement: ADAR is on the minus strand). VCF-style: chr1-154602526-A-C. GRCh37 (hg19) VCF-style: chr1-154575002-A-C.
Other names: c.-634T>G (NM_001365046.1, NM_001365047.1, NM_001365049.1); c.-770T>G (NM_001365048.1, NM_001025107.3, NM_001193495.2); c.116T>G, p.Phe39Cys (NM_015840.4, NM_015841.4); c.143T>G, p.Phe48Cys (NM_001365045.1); short protein forms F39C, F48C.
Identifiers: ClinVar variation 2950482 (VCV002950482.3), dbSNP rs1328585827, ClinGen allele CA342606828.

ClinVar aggregate classification (germline): Uncertain significance (1 of 4 stars; one submission).

Conditions:
Symmetrical dyschromatosis of extremities (DSH). Also called: DYSCHROMATOSIS SYMMETRICA HEREDITARIA 1; RETICULATE ACROPIGMENTATION OF DOHI; SYMMETRIC DYSCHROMATOSIS OF THE EXTREMITIES; Dyschromatosis symmetrica hereditaria. Identifiers: Orphanet 41, MedGen C0406775, MONDO:0007483, OMIM 127400.
Aicardi-Goutieres syndrome 6 (AGS6). Identifiers: Orphanet 51, MedGen C3539013, MONDO:0014007, OMIM 615010.

Allele frequency attached by ClinVar (database versions not stated): gnomAD exomes below 0.00001.
gnomAD v4.1: 7 of 1,614,210 alleles (0.00043%); highest among the groups gnomAD compares: East Asian, 0.016%; no homozygotes.

Submission:

Labcorp Genetics (formerly Invitae), Labcorp
Classification: Uncertain significance for Aicardi-Goutieres syndrome 6; Symmetrical dyschromatosis of extremities. Last evaluated: 2025-01-29. Review status: criteria provided, single submitter. Criteria: Invitae Variant Classification Sherloc (09022015). Collection method: clinical testing. Allele origin: germline.
Comment: This sequence change replaces phenylalanine, which is neutral and non-polar, with cysteine, which is neutral and slightly polar, at codon 39 of the ADAR protein (p.Phe39Cys). This variant is not present in population databases (gnomAD no frequency). This variant has not been reported in the literature in individuals affected with ADAR-related conditions. ClinVar contains an entry for this variant (Variation ID: 2950482). An algorithm developed to predict the effect of missense changes on protein structure and function (PolyPhen-2) suggests that this variant is likely to be disruptive. In summary, the available evidence is currently insufficient to determine the role of this variant in disease. Therefore, it has been classified as a Variant of Uncertain Significance.